The following is an entry in ClinVar:

ClinVar aggregate classification (germline): Conflicting classifications of pathogenicity. Review status: criteria provided, conflicting classifications (1 of 4 stars). 2 submissions from 2 submitters: Uncertain significance (1); Likely benign (1). Last evaluated 2023-02-01.

Conditions:
ALG9 congenital disorder of glycosylation (CDG1L). Also called: CDG Il; CONGENITAL DISORDER OF GLYCOSYLATION, TYPE Il; ALG9-CDG. Identifiers: Orphanet 79328, MedGen C2931006, MONDO:0012117, OMIM 608776.

Allele frequency attached by ClinVar (database versions not stated): 1000 Genomes Project 0.00120; gnomAD 0.00545 and 0.00575.

Submissions (2):

CeGaT Center for Human Genetics Tuebingen
Classification: Likely benign. Last evaluated: 2023-02-01. Review status: criteria provided, single submitter. Criteria: CeGaT Center For Human Genetics Tuebingen Variant Classification Criteria Version 2. Collection method: clinical testing. Allele origin: germline. Affected: yes. Observed: 2 variant alleles.
Comment: ALG9: BS2

Illumina Laboratory Services, Illumina
Classification: Uncertain significance for ALG9 congenital disorder of glycosylation. Last evaluated: 2018-01-12. Review status: criteria provided, single submitter. Criteria: ICSL Variant Classification Criteria 13 December 2019. Collection method: clinical testing. Allele origin: germline.

NM_024740.2(ALG9):c.*1680G>T

Gene: ALG9 (ALG9 alpha-1,2-mannosyltransferase; minus strand). Cytogenetic location: 11q23.1.
Variant type: single nucleotide variant.
Coding change: c.*1680G>T on transcript NM_024740.2 (MANE Select); 1680 bases downstream of the stop codon, G replaced by T.
Molecular consequence: 3 prime UTR variant. On other transcripts: non-coding transcript variant (1).
Genome position (GRCh38, 1-based): chr11:111,784,717, C>A on the plus strand (G>T on the coding strand, the complement: ALG9 is on the minus strand). VCF-style: chr11-111784717-C-A. GRCh37 (hg19) VCF-style: chr11-111655441-C-A.
Other names: c.*1680G>T (NM_001077690.1, NM_001077691.2, NM_001077692.2 and 9 more transcripts); c.*1340G>T (NM_001352415.1, NM_001352416.1, NM_001352417.1 and 1 more transcripts); c.*1809G>T (NM_001352420.2); c.*1803G>T (NM_001352421.2).
Identifiers: ClinVar variation 302403 (VCV000302403.29), dbSNP rs563719515, ClinGen allele CA10633429.
Genomic context (GRCh38, chr11:111,784,717, plus strand): 5'-GCAGCGAGCCGAGATCGCGCCACTGCACTCCAGCATGGGCGACAGAATGAGACTCTGTCT[C>A]AAAAAAAAAAAGAAAAATGAAAGATGGAACTTCTGAAAAATAGATTCATCCTATTTGCAG-3'